The following is an entry in ClinVar:

ClinVar aggregate classification (germline): Uncertain significance (1 of 4 stars; one submission).

Conditions:
Charcot-Marie-Tooth disease axonal type 2P. Also called: CHARCOT-MARIE-TOOTH NEUROPATHY, TYPE 2P; Charcot-Marie-Tooth Neuropathy Type 2G; CHARCOT-MARIE-TOOTH DISEASE, AXONAL, TYPE 2G; CMT 2G. Identifiers: Orphanet 300319, Orphanet 99941, MedGen C3280797, MONDO:0013753, OMIM 614436.

Submission:

Labcorp Genetics (formerly Invitae), Labcorp
Classification: Uncertain significance for Charcot-Marie-Tooth disease axonal type 2P. Last evaluated: 2019-08-14. Review status: criteria provided, single submitter. Criteria: Invitae Variant Classification Sherloc (09022015). Collection method: clinical testing. Allele origin: germline.
Comment: In summary, the available evidence is currently insufficient to determine the role of this variant in disease. Therefore, it has been classified as a Variant of Uncertain Significance. Algorithms developed to predict the effect of missense changes on protein structure and function (SIFT, PolyPhen-2, Align-GVGD) all suggest that this variant is likely to be disruptive, but these predictions have not been confirmed by published functional studies and their clinical significance is uncertain. This variant has not been reported in the literature in individuals with LRSAM1-related conditions. This variant is not present in population databases (ExAC no frequency). This sequence change replaces valine with alanine at codon 59 of the LRSAM1 protein (p.Val59Ala). The valine residue is highly conserved and there is a small physicochemical difference between valine and alanine.

NM_001005373.4(LRSAM1):c.176T>C (p.Val59Ala)

Gene: LRSAM1 (leucine rich repeat and sterile alpha motif containing 1; plus strand). Cytogenetic location: 9q33.3.
Variant type: single nucleotide variant.
Coding change: c.176T>C on transcript NM_001005373.4 (MANE Select); coding-DNA position 176, T replaced by C.
Protein change: p.Val59Ala; replaces valine 59 with alanine.
Molecular consequence: missense variant. On other transcripts: 5 prime UTR variant (1), non-coding transcript variant (2).
Genome position (GRCh38, 1-based): chr9:127,457,317, T>C. VCF-style: chr9-127457317-T-C. GRCh37 (hg19) VCF-style: chr9-130219596-T-C.
Other names: c.176T>C, p.Val59Ala (NM_001005374.4, NM_001190723.3, NM_001384142.1 and 2 more transcripts); c.-609T>C (NM_001384144.1); short protein forms V59A.
Identifiers: ClinVar variation 944782 (VCV000944782.9), dbSNP rs1834556433, ClinGen allele CA374964095.